The following is an entry in ClinVar:

NM_014956.5(CEP164):c.1492C>A (p.Pro498Thr)

Gene: CEP164 (centrosomal protein 164; plus strand). Cytogenetic location: 11q23.3.
Variant type: single nucleotide variant.
Coding change: c.1492C>A on transcript NM_014956.5 (MANE Select); coding-DNA position 1492, C replaced by A.
Protein change: p.Pro498Thr; replaces proline 498 with threonine.
Molecular consequence: missense variant.
Genome position (GRCh38, 1-based): chr11:117,381,783, C>A. VCF-style: chr11-117381783-C-A. GRCh37 (hg19) VCF-style: chr11-117252499-C-A.
Other names: c.1501C>A, p.Pro501Thr (NM_001271933.2); short protein forms P498T, P501T.
Identifiers: ClinVar variation 1006995 (VCV001006995.8), dbSNP rs765811586, ClinGen allele CA229397696.
Genomic context (GRCh38, chr11:117,381,783, plus strand): 5'-GAGGAGCGGGCCCAGAGTCCCCCTCGCAGCCTGGCCACTGAAGAAGAGCCTCCCCAGGGC[C>A]CCGAGGGGCAGCCCGAGTGGAAGGAGGCAGAGGAGCTTGGGGAGGACTCTGCAGCCAGCC-3'
Protein context (NP_055771.4, residues 488-508): LATEEEPPQG[Pro498Thr]EGQPEWKEAE

ClinVar aggregate classification (germline): Uncertain significance (1 of 4 stars; one submission).

Conditions:
Nephronophthisis 15 (NPHP15). Identifiers: Orphanet 3156, MedGen C3541853, MONDO:0013917, OMIM 614845.

Allele frequency attached by ClinVar (database versions not stated): gnomAD 0.00001; TOPMed 0.00001.

Submission:

Labcorp Genetics (formerly Invitae), Labcorp
Classification: Uncertain significance for Nephronophthisis 15. Last evaluated: 2025-04-16. Review status: criteria provided, single submitter. Criteria: Invitae Variant Classification Sherloc (09022015). Collection method: clinical testing. Allele origin: germline.
Comment: This sequence change replaces proline, which is neutral and non-polar, with threonine, which is neutral and polar, at codon 498 of the CEP164 protein (p.Pro498Thr). The frequency data for this variant in the population databases is considered unreliable, as metrics indicate poor data quality at this position in the gnomAD database. This variant has not been reported in the literature in individuals affected with CEP164-related conditions. ClinVar contains an entry for this variant (Variation ID: 1006995). An algorithm developed to predict the effect of missense changes on protein structure and function (PolyPhen-2) suggests that this variant is likely to be disruptive. In summary, the available evidence is currently insufficient to determine the role of this variant in disease. Therefore, it has been classified as a Variant of Uncertain Significance.